The following is an entry in ClinVar:

ClinVar aggregate classification (germline): Uncertain significance (1 of 4 stars; one submission).

Submission:

Labcorp Genetics (formerly Invitae), Labcorp
Classification: Uncertain significance. Last evaluated: 2024-12-11. Review status: criteria provided, single submitter. Criteria: Invitae Variant Classification Sherloc (09022015). Collection method: clinical testing. Allele origin: germline.
Comment: This sequence change replaces proline, which is neutral and non-polar, with serine, which is neutral and polar, at codon 606 of the ERBB2 protein (p.Pro606Ser). This variant is not present in population databases (gnomAD no frequency). This variant has not been reported in the literature in individuals affected with ERBB2-related conditions. An algorithm developed to predict the effect of missense changes on protein structure and function outputs the following: PolyPhen-2: "Benign". The serine amino acid residue is found in multiple mammalian species, which suggests that this missense change does not adversely affect protein function. In summary, the available evidence is currently insufficient to determine the role of this variant in disease. Therefore, it has been classified as a Variant of Uncertain Significance.

NM_004448.4(ERBB2):c.1816C>T (p.Pro606Ser)

Gene: ERBB2 (erb-b2 receptor tyrosine kinase 2; plus strand). Cytogenetic location: 17q12.
Variant type: single nucleotide variant.
Coding change: c.1816C>T on transcript NM_004448.4 (MANE Select); coding-DNA position 1816, C replaced by T.
Protein change: p.Pro606Ser; replaces proline 606 with serine.
Molecular consequence: missense variant. On other transcripts: non-coding transcript variant (1), intron variant (1).
Genome position (GRCh38, 1-based): chr17:39,717,398, C>T. VCF-style: chr17-39717398-C-T. GRCh37 (hg19) VCF-style: chr17-37873651-C-T.
Other names: c.1816C>T, p.Pro606Ser (NM_001382797.1, NM_001382798.1, NM_001382800.1 and 9 more transcripts); c.1636C>T, p.Pro546Ser (NM_001382799.1); c.1558C>T, p.Pro520Ser (NM_001382802.1); c.988C>T, p.Pro330Ser (NM_001382804.1); c.1726C>T, p.Pro576Ser (NM_001005862.3, NM_001289938.2, NM_001382782.1 and 1 more transcripts); c.1771C>T, p.Pro591Ser (NM_001289936.2); c.1933C>T, p.Pro645Ser (NM_001382784.1, NM_001382786.1); c.1918C>T, p.Pro640Ser (NM_001382785.1); and 6 more; short protein forms P520S, P576S, P606S, P645S, P546S, P613S, P640S, P330S.
Identifiers: ClinVar variation 3631587 (VCV003631587.2).